The following is an entry in ClinVar:

NM_181776.3(SLC36A2):c.1210G>A (p.Asp404Asn)

Gene: SLC36A2 (solute carrier family 36 member 2; minus strand). Cytogenetic location: 5q33.1.
Variant type: single nucleotide variant.
Coding change: c.1210G>A on transcript NM_181776.3 (MANE Select); coding-DNA position 1210, G replaced by A.
Protein change: p.Asp404Asn; replaces aspartic acid 404 with asparagine.
Molecular consequence: missense variant.
Genome position (GRCh38, 1-based): chr5:151,317,059, C>T on the plus strand (G>A on the coding strand, the complement: SLC36A2 is on the minus strand). VCF-style: chr5-151317059-C-T. GRCh37 (hg19) VCF-style: chr5-150696620-C-T.
Other names: short protein forms D404N.
Identifiers: ClinVar variation 4802166 (VCV004802166.1).

ClinVar aggregate classification (germline): Uncertain significance (1 of 4 stars; one submission).

Submission:

Labcorp Genetics (formerly Invitae), Labcorp
Classification: Uncertain significance. Last evaluated: 2025-12-23. Review status: criteria provided, single submitter. Criteria: Invitae Variant Classification Sherloc (09022015). Collection method: clinical testing. Allele origin: germline.
Comment: This sequence change replaces aspartic acid, which is acidic and polar, with asparagine, which is neutral and polar, at codon 404 of the SLC36A2 protein (p.Asp404Asn). This variant is present in population databases (rs780160510, gnomAD 0.005%). This variant has not been reported in the literature in individuals affected with SLC36A2-related conditions. Invitae Evidence Modeling of protein sequence and biophysical properties (such as structural, functional, and spatial information, amino acid conservation, physicochemical variation, residue mobility, and thermodynamic stability) indicates that this missense variant is not expected to disrupt SLC36A2 protein function with a negative predictive value of 80%. In summary, the available evidence is currently insufficient to determine the role of this variant in disease. Therefore, it has been classified as a Variant of Uncertain Significance.